The following is an entry in ClinVar:

ClinVar aggregate classification (germline): Uncertain significance (1 of 4 stars; one submission).

Conditions:
LRRC45-related disorder. Also called: LRRC45-related condition.

gnomAD v4.1: 31 of 1,549,784 alleles (0.002%); highest among the groups gnomAD compares: East Asian, 0.076%; no homozygotes.

Submission:

PreventionGenetics, part of Exact Sciences
Classification: Uncertain significance for LRRC45-related condition. Last evaluated: 2026-08-12. Review status: criteria provided, single submitter. Criteria: ACMG Guidelines, 2015. Collection method: clinical testing. Allele origin: germline.
Comment: The LRRC45 c.1712G>A variant is predicted to result in the amino acid substitution p.Arg571Lys. To our knowledge, this variant has not been reported in the literature. This variant is reported in 0.0089% of alleles in individuals of East Asian descent in gnomAD. At this time, the clinical significance of this variant is uncertain due to the absence of conclusive functional and genetic evidence.

NM_144999.4(LRRC45):c.1712G>A (p.Arg571Lys)

Gene: LRRC45 (leucine rich repeat containing 45; plus strand). Cytogenetic location: 17q25.3.
Variant type: single nucleotide variant.
Coding change: c.1712G>A on transcript NM_144999.4 (MANE Select); coding-DNA position 1712, G replaced by A.
Protein change: p.Arg571Lys; replaces arginine 571 with lysine.
Molecular consequence: missense variant.
Genome position (GRCh38, 1-based): chr17:82,030,362, G>A. VCF-style: chr17-82030362-G-A. GRCh37 (hg19) VCF-style: chr17-79988238-G-A.
Other names: short protein forms R571K.
Identifiers: ClinVar variation 4981991 (VCV004981991.1).
Genomic context (GRCh38, chr17:82,030,362, plus strand): 5'-GCCTTCGTGCCTGGCAGGAGCTGAGCCTCAAGGACCAGGAAAGGGTGGCCGAGGTGAGCA[G>A]GGTGCGCGTGGAGCTGCAGGAGCAGAACGGCCGGCTGCAGGCGGAGCTGGCGGCTCAGGA-3'
Protein context (NP_659436.1, residues 561-581): KDQERVAEVS[Arg571Lys]VRVELQEQNG